The following is an entry in ClinVar:

ClinVar aggregate classification (germline): Conflicting classifications of pathogenicity. Review status: criteria provided, conflicting classifications (1 of 4 stars). 6 submissions from 5 submitters: Uncertain significance (4); Benign (1); Likely benign (1). Last evaluated 2025-11-01.

Conditions:
Inborn genetic diseases. Identifiers: MedGen C0950123, MeSH D030342.
Mitochondrial complex I deficiency, nuclear type 1. Also called: NADH-COENZYME Q REDUCTASE DEFICIENCY; MITOCHONDRIAL NADH DEHYDROGENASE COMPONENT OF COMPLEX I, DEFICIENCY OF. Identifiers: MedGen C6022305, MONDO:0100224, OMIM 252010.
Leigh syndrome (NULS). Also called: LEIGH SYNDROME, NUCLEAR; Leigh Syndrome (mtDNA deletion); Leigh's necrotizing encephalopathy; Leigh's disease; Leigh's syndrome; Subacute necrotizing encephalopathy. Identifiers: Orphanet 506, MedGen C2931891, MONDO:0009723, OMIM 256000.

Allele frequency attached by ClinVar (database versions not stated): ESP Exome Variant Server 0.00023; gnomAD exomes 0.00024 and 0.00045; gnomAD 0.00028 and 0.00031; TOPMed 0.00034; ExAC 0.00040.
gnomAD v4.1: 433 of 1,614,050 alleles (0.027%); highest among the groups gnomAD compares: Middle Eastern, 0.016%; 2 homozygotes.

Submissions (6):

Labcorp Genetics (formerly Invitae), Labcorp
Classification: Benign. Last evaluated: 2025-11-01. Review status: criteria provided, single submitter. Criteria: Invitae Variant Classification Sherloc (09022015). Collection method: clinical testing. Allele origin: germline.

GeneDx
Classification: Uncertain significance. Last evaluated: 2025-07-29. Review status: criteria provided, single submitter. Criteria: GeneDx Variant Classification Process June 2021. Collection method: clinical testing. Allele origin: germline. Affected: yes.
Comment: In silico analysis suggests that this missense variant does not alter protein structure/function; Observed in a patient with a suspected mitochondrial disorder; zygosity and detailed clinical information was not reported (PMID: 23665194); This variant is associated with the following publications: (PMID: 23665194)

CeGaT Center for Human Genetics Tuebingen
Classification: Uncertain significance. Last evaluated: 2022-11-01. Review status: criteria provided, single submitter. Criteria: CeGaT Center For Human Genetics Tuebingen Variant Classification Criteria Version 2. Collection method: clinical testing. Allele origin: germline. Affected: yes. Observed: 1 variant allele.
Comment: NDUFS1: PM2:Supporting

Ambry Genetics
Classification: Likely benign for Inborn genetic diseases. Last evaluated: 2022-02-22. Review status: criteria provided, single submitter. Criteria: Ambry Variant Classification Scheme 2023. Collection method: clinical testing. Allele origin: germline.

Illumina Laboratory Services, Illumina
Classification: Uncertain significance for Mitochondrial complex I deficiency, nuclear type 1. Last evaluated: 2018-01-12. Review status: criteria provided, single submitter. Criteria: ICSL Variant Classification Criteria 13 December 2019. Collection method: clinical testing. Allele origin: germline.

Illumina Laboratory Services, Illumina
Classification: Uncertain significance for Leigh syndrome. Last evaluated: 2018-01-12. Review status: criteria provided, single submitter. Criteria: ICSL Variant Classification Criteria 13 December 2019. Collection method: clinical testing. Allele origin: germline.

NM_005006.7(NDUFS1):c.1600G>A (p.Val534Met)

Gene: NDUFS1 (NADH:ubiquinone oxidoreductase core subunit S1; minus strand). Cytogenetic location: 2q33.3.
Variant type: single nucleotide variant.
Coding change: c.1600G>A on transcript NM_005006.7 (MANE Select); coding-DNA position 1600, G replaced by A.
Protein change: p.Val534Met; replaces valine 534 with methionine.
Molecular consequence: missense variant.
Genome position (GRCh38, 1-based): chr2:206,130,196, C>T on the plus strand (G>A on the coding strand, the complement: NDUFS1 is on the minus strand). VCF-style: chr2-206130196-C-T. GRCh37 (hg19) VCF-style: chr2-206994920-C-T.
Other names: c.1492G>A, p.Val498Met (NM_001199981.2); c.1267G>A, p.Val423Met (NM_001199982.2); c.1429G>A, p.Val477Met (NM_001199983.2); c.1642G>A, p.Val548Met (NM_001199984.2); short protein forms V534M, V477M, V498M, V423M, V548M.
Identifiers: ClinVar variation 214774 (VCV000214774.47), dbSNP rs201806038, ClinGen allele CA319780.